The following is an entry in ClinVar:

ClinVar aggregate classification (germline): Uncertain significance (1 of 4 stars; one submission).

Conditions:
Neuromuscular disease caused by qualitative or quantitative defects of dysferlin. Also called: Qualitative or quantitative defects of dysferlin; Dysferlinopathy. Identifiers: Orphanet 207073, MedGen C2931687, MONDO:0016145.

Allele frequency attached by ClinVar (database versions not stated): gnomAD exomes below 0.00001.
gnomAD v4.1: 1 of 1,614,180 alleles (0.000062%); highest among the groups gnomAD compares: Non-Finnish European, 0.000085%; no homozygotes.

Submission:

Labcorp Genetics (formerly Invitae), Labcorp
Classification: Uncertain significance for Neuromuscular disease caused by qualitative or quantitative defects of dysferlin. Last evaluated: 2019-08-29. Review status: criteria provided, single submitter. Criteria: Invitae Variant Classification Sherloc (09022015). Collection method: clinical testing. Allele origin: germline.
Comment: This sequence change replaces alanine with glycine at codon 597 of the DYSF protein (p.Ala597Gly). The alanine residue is moderately conserved and there is a small physicochemical difference between alanine and glycine. This variant is not present in population databases (ExAC no frequency). In summary, the available evidence is currently insufficient to determine the role of this variant in disease. Therefore, it has been classified as a Variant of Uncertain Significance. Algorithms developed to predict the effect of missense changes on protein structure and function (SIFT, PolyPhen-2, Align-GVGD) all suggest that this variant is likely to be tolerated, but these predictions have not been confirmed by published functional studies and their clinical significance is uncertain. This variant has not been reported in the literature in individuals with DYSF-related conditions.

NM_001130987.2(DYSF):c.1844C>G (p.Ala615Gly)

Gene: DYSF (dysferlin; plus strand). Cytogenetic location: 2p13.2.
Variant type: single nucleotide variant.
Coding change: c.1844C>G on transcript NM_001130987.2 (MANE Select); coding-DNA position 1844, C replaced by G.
Protein change: p.Ala615Gly; replaces alanine 615 with glycine.
Molecular consequence: missense variant.
Genome position (GRCh38, 1-based): chr2:71,553,048, C>G. VCF-style: chr2-71553048-C-G. GRCh37 (hg19) VCF-style: chr2-71780178-C-G.
Other names: c.1793C>G, p.Ala598Gly (NM_001130455.2, NM_001130983.2); c.1748C>G, p.Ala583Gly (NM_001130976.2, NM_001130977.2); c.1790C>G, p.Ala597Gly (NM_001130978.2, NM_003494.4); c.1883C>G, p.Ala628Gly (NM_001130979.2); c.1841C>G, p.Ala614Gly (NM_001130980.2, NM_001130981.2); c.1886C>G, p.Ala629Gly (NM_001130982.2); c.1751C>G, p.Ala584Gly (NM_001130984.2, NM_001130986.2); c.1844C>G, p.Ala615Gly (NM_001130985.2); short protein forms A598G, A614G, A629G, A583G, A584G, A615G, A628G, A597G.
Identifiers: ClinVar variation 936989 (VCV000936989.9), dbSNP rs893079344, ClinGen allele CA49795001.